The following is an entry in ClinVar:

NM_000059.4(BRCA2):c.7665_7666insGGCCGGGCGCGGTGGCTCACGCCTGTAATCCCAGCACTTTGGGAGGCCGAGGCGGGAGGATCACGAGGTCACGAGANNNNNNNNNNAAAAAAAAAAAAAAAAAAAAAAAAATTAACAGCAAA (p.Asn2556fs)

Gene: BRCA2 (BRCA2 DNA repair associated; plus strand). Cytogenetic location: 13q13.1.
Variant type: Microsatellite.
Coding change: c.7665_7666insGGCCGGGCGCGGTGGCTCACGCCTGTAATCCCAGCACTTTGGGAGGCCGAGGCGGGAGGATCACGAGGTCACGAGANNNNNNNNNNAAAAAAAAAAAAAAAAAAAAAAAAATTAACAGCAAA on transcript NM_000059.4 (MANE Select); coding-DNA positions 7665 to 7666, GGCCGGGCGCGGTGGCTCACGCCTGTAATCCCAGCACTTTGGGAGGCCGAGGCGGGAGGATCACGAGGTCACGAGANNNNNNNNNNAAAAAAAAAAAAAAAAAAAAAAAAATTAACAGCAAA inserted.
Protein change: p.Asn2556fs; shifts the reading frame from asparagine 2556.
Molecular consequence: frameshift variant.
Genome position: GRCh38: chr13:32,357,774-32,357,789. GRCh37 (hg19): chr13:32,931,911-32,931,926.
Other names: short protein forms N2556fs.
Identifiers: ClinVar variation 1380418 (VCV001380418.7).

ClinVar aggregate classification (germline): Pathogenic (1 of 4 stars; one submission).

Conditions:
Hereditary breast ovarian cancer syndrome. Also called: Hereditary breast and ovarian cancer syndrome (HBOC); Breast and ovarian cancer; BRCA1- and BRCA2-Associated Hereditary Breast and Ovarian Cancer; Hereditary breast and ovarian cancer; Hereditary breast and ovarian cancer syndrome; Hereditary breast and/or ovarian cancer syndrome. Identifiers: Orphanet 145, MedGen C0677776, MeSH D061325, MONDO:0003582. Disease mechanism: loss of function.

Submission:

Labcorp Genetics (formerly Invitae), Labcorp
Classification: Pathogenic for Hereditary breast ovarian cancer syndrome. Last evaluated: 2024-04-05. Review status: criteria provided, single submitter. Criteria: Invitae Variant Classification Sherloc (09022015). Collection method: clinical testing. Allele origin: germline.
Comment: This sequence change inserts a large fragment of DNA, likely a transposable element, in exon 16 of the BRCA2 gene (c.7665_7666ins?), causing a frameshift at codon 2556 (p.Asn2556fs). The exact size and sequence of the insertion cannot be determined by the current assay. However, the insertion is expected to result in an absent or disrupted protein product. This variant is not present in population databases (gnomAD no frequency). This variant has not been reported in the literature in individuals affected with BRCA2-related conditions. Retrotransposon insertions including LINE1 (L1), Alu, and SVA (SINE-VNTR-Alu) have been reported to be disease-causing through disruption of either a coding region or splice site (PMID: 19763152, 20307669, 22406018) and loss-of-function variants in BRCA2 are known to be pathogenic (PMID: 20104584). For these reasons, this variant has been classified as Pathogenic.

Literature cited by the submitters: PubMed 19763152; PubMed 20307669; PubMed 22406018; PubMed 20104584.